The following is an entry in ClinVar:

ClinVar aggregate classification (germline): Uncertain significance. Review status: criteria provided, multiple submitters, no conflicts (2 of 4 stars). 2 submissions from 2 submitters: Uncertain significance (2). Last evaluated 2025-09-17.

Conditions:
Hereditary pancreatitis (PCTT). Also called: Hereditary chronic pancreatitis; PRSS1-Related Hereditary Pancreatitis. Identifiers: Orphanet 676, MedGen C0238339, MONDO:0008185, OMIM 167800.

Allele frequency attached by ClinVar (database versions not stated): gnomAD exomes below 0.00001; TOPMed 0.00002.

Submissions (2):

Ambry Genetics
Classification: Uncertain significance for Hereditary pancreatitis. Last evaluated: 2025-09-17. Review status: criteria provided, single submitter. Criteria: Ambry Variant Classification Scheme 2023. Collection method: clinical testing. Allele origin: germline.
Comment: The p.S163N variant (also known as c.488G>A), located in coding exon 5 of the CPA1 gene, results from a G to A substitution at nucleotide position 488. The serine at codon 163 is replaced by asparagine, an amino acid with highly similar properties. This amino acid position is conserved. In addition, this alteration is predicted to be tolerated by in silico analysis. Since supporting evidence is limited at this time, the clinical significance of this alteration remains unclear.

Labcorp Genetics (formerly Invitae), Labcorp
Classification: Uncertain significance. Last evaluated: 2024-06-03. Review status: criteria provided, single submitter. Criteria: Invitae Variant Classification Sherloc (09022015). Collection method: clinical testing. Allele origin: germline.
Comment: This sequence change replaces serine, which is neutral and polar, with asparagine, which is neutral and polar, at codon 163 of the CPA1 protein (p.Ser163Asn). This variant is not present in population databases (gnomAD no frequency). This variant has not been reported in the literature in individuals affected with CPA1-related conditions. ClinVar contains an entry for this variant (Variation ID: 1743851). Advanced modeling of protein sequence and biophysical properties (such as structural, functional, and spatial information, amino acid conservation, physicochemical variation, residue mobility, and thermodynamic stability) performed at Invitae indicates that this missense variant is not expected to disrupt CPA1 protein function with a negative predictive value of 80%. In summary, the available evidence is currently insufficient to determine the role of this variant in disease. Therefore, it has been classified as a Variant of Uncertain Significance.

NM_001868.4(CPA1):c.488G>A (p.Ser163Asn)

Gene: CPA1 (carboxypeptidase A1; plus strand). Cytogenetic location: 7q32.2.
Variant type: single nucleotide variant.
Coding change: c.488G>A on transcript NM_001868.4 (MANE Select); coding-DNA position 488, G replaced by A.
Protein change: p.Ser163Asn; replaces serine 163 with asparagine.
Molecular consequence: missense variant.
Genome position (GRCh38, 1-based): chr7:130,383,395, G>A. VCF-style: chr7-130383395-G-A. GRCh37 (hg19) VCF-style: chr7-130023236-G-A.
Other names: short protein forms S163N.
Identifiers: ClinVar variation 1743851 (VCV001743851.6), dbSNP rs1172850942, ClinGen allele CA369282107.